The following is an entry in ClinVar:

ClinVar aggregate classification (germline): Likely pathogenic (1 of 4 stars; one submission).

Conditions:
Ataxia-telangiectasia syndrome (AT). Also called: Cerebello-oculocutaneous telangiectasia; Immunodeficiency with ataxia telangiectasia; AT, COMPLEMENTATION GROUP C; LOUIS-BAR SYNDROME; Ataxia-telangiectasia, complementation group E; Ataxia telangiectasia (A-T). Identifiers: Orphanet 100, MedGen C0004135, MONDO:0008840, OMIM 208900.

Submission:

Women's Health and Genetics/Laboratory Corporation of America, LabCorp
Classification: Likely pathogenic for Ataxia-telangiectasia syndrome. Last evaluated: 2023-04-04. Review status: criteria provided, single submitter. Criteria: LabCorp Variant Classification Summary - May 2015. Collection method: clinical testing. Allele origin: germline.
Comment: Variant summary: ATM c.4410T>A (p.Tyr1470X) results in a premature termination codon, predicted to cause a truncation of the encoded protein or absence of the protein due to nonsense mediated decay, which are commonly known mechanisms for disease. Truncations downstream of this position have been classified as pathogenic by our laboratory. The variant was absent in 250902 control chromosomes (gnomAD). To our knowledge, no occurrence of c.4410T>A in individuals affected with Ataxia-Telangiectasia and no experimental evidence demonstrating its impact on protein function have been reported. No clinical diagnostic laboratories have submitted clinical-significance assessments for this variant to ClinVar after 2014. Based on the evidence outlined above, the variant was classified as likely pathogenic.

NM_000051.4(ATM):c.4410T>A (p.Tyr1470Ter)

Gene: ATM (ATM serine/threonine kinase; plus strand). Cytogenetic location: 11q22.3.
Variant type: single nucleotide variant.
Coding change: c.4410T>A on transcript NM_000051.4 (MANE Select); coding-DNA position 4410, T replaced by A.
Protein change: p.Tyr1470Ter; replaces tyrosine 1470 with a stop codon.
Molecular consequence: nonsense.
Genome position (GRCh38, 1-based): chr11:108,289,775, T>A. VCF-style: chr11-108289775-T-A. GRCh37 (hg19) VCF-style: chr11-108160502-T-A.
Other names: c.4410T>A, p.Tyr1470Ter (NM_001351834.2); short protein forms Y1470*.
Identifiers: ClinVar variation 2503938 (VCV002503938.1), dbSNP rs1057521912, ClinGen allele CA382532240.